The following is an entry in ClinVar:

ClinVar aggregate classification (germline): Likely benign. Review status: criteria provided, multiple submitters, no conflicts (2 of 4 stars). 5 submissions from 5 submitters: Likely benign (4). 1 of the submissions does not count toward it. Last evaluated 2026-01-10.

Conditions:
TNNC1-related disorder. Also called: TNNC1-related condition.
Cardiovascular phenotype. Identifiers: MedGen CN230736.
Dilated cardiomyopathy 1Z (CMD1Z). Identifiers: Orphanet 154, MedGen C2678475, MONDO:0012745, OMIM 611879.
Hypertrophic cardiomyopathy 13. Also called: TNNC1-Related Familial Hypertrophic Cardiomyopathy. Identifiers: MedGen C2750472, MONDO:0013195, OMIM 613243.

Allele frequency attached by ClinVar (database versions not stated): ExAC 0.00002; gnomAD exomes 0.00002; gnomAD 0.00003; TOPMed 0.00003.

Submissions (5):

Labcorp Genetics (formerly Invitae), Labcorp
Classification: Likely benign for Hypertrophic cardiomyopathy 13; Dilated cardiomyopathy 1Z. Last evaluated: 2026-01-10. Review status: criteria provided, single submitter. Criteria: Invitae Variant Classification Sherloc (09022015). Collection method: clinical testing. Allele origin: germline.

Ambry Genetics
Classification: Likely benign for Cardiovascular phenotype. Last evaluated: 2021-02-05. Review status: criteria provided, single submitter. Criteria: Ambry Variant Classification Scheme 2023. Collection method: clinical testing. Allele origin: germline.

GeneDx
Classification: Likely benign. Last evaluated: 2019-06-11. Review status: criteria provided, single submitter. Criteria: GeneDx Variant Classification Process June 2021. Collection method: clinical testing. Allele origin: germline. Affected: yes.

Blueprint Genetics
Classification: Likely benign. Last evaluated: 2019-02-09. Review status: criteria provided, single submitter. Criteria: ACMG Guidelines, 2015. Collection method: clinical testing. Allele origin: germline.

PreventionGenetics, part of Exact Sciences
Classification: Likely benign for TNNC1-related condition. Last evaluated: 2020-08-17. Review status: no assertion criteria provided. Collection method: clinical testing. Allele origin: germline. Not counted in ClinVar's aggregate classification.
Comment: This variant is classified as likely benign based on ACMG/AMP sequence variant interpretation guidelines (Richards et al. 2015 PMID: 25741868, with internal and published modifications).

NM_003280.3(TNNC1):c.432C>T (p.Asn144=)

Gene: TNNC1 (troponin C1, slow skeletal and cardiac type; minus strand). Cytogenetic location: 3p21.1.
Variant type: single nucleotide variant.
Coding change: c.432C>T on transcript NM_003280.3 (MANE Select); coding-DNA position 432, C replaced by T.
Protein change: p.Asn144=; no amino-acid change (asparagine 144 retained).
Molecular consequence: synonymous variant.
Genome position (GRCh38, 1-based): chr3:52,451,413, G>A on the plus strand (C>T on the coding strand, the complement: TNNC1 is on the minus strand). VCF-style: chr3-52451413-G-A. GRCh37 (hg19) VCF-style: chr3-52485429-G-A.
Identifiers: ClinVar variation 1290278 (VCV001290278.14), dbSNP rs767979684, ClinGen allele CA2438495.